The following continues an entry in ClinVar:

NM_007294.4(BRCA1):c.736T>G (p.Leu246Val)

Gene: BRCA1. ClinVar aggregate classification (germline): Benign. Benign (1).

Submissions 17 to 38 of 38:

Genetic Services Laboratory, University of Chicago
Classification: Likely benign. Last evaluated: 2016-07-15. Review status: criteria provided, single submitter. Criteria: ACMG Guidelines, 2015. Collection method: clinical testing. Allele origin: germline. Affected: no. Not counted in ClinVar's aggregate classification.

Institute for Biomarker Research, Medical Diagnostic Laboratories, L.L.C.
Classification: Likely benign for Hereditary breast ovarian cancer syndrome. Last evaluated: 2016-04-25. Review status: criteria provided, single submitter. Criteria: ACMG Guidelines, 2015. Collection method: clinical testing. Allele origin: germline. Not counted in ClinVar's aggregate classification.

Color Diagnostics, LLC DBA Color Health
Classification: Benign for Hereditary cancer-predisposing syndrome. Last evaluated: 2015-01-13. Review status: criteria provided, single submitter. Criteria: ACMG Guidelines, 2015. Collection method: clinical testing. Allele origin: germline. Not counted in ClinVar's aggregate classification.

Ambry Genetics
Classification: Benign for Hereditary cancer-predisposing syndrome. Last evaluated: 2014-11-18. Review status: criteria provided, single submitter. Criteria: Ambry Variant Classification Scheme 2023. Collection method: clinical testing. Allele origin: germline. Not counted in ClinVar's aggregate classification.

Molecular Genetics Laboratory, University of Michigan
Classification: Benign for Breast-ovarian cancer, familial, susceptibility to, 1. Last evaluated: 2014-11-03. Review status: criteria provided, single submitter. Criteria: ACMG Guidelines, 2015. Collection method: clinical testing. Allele origin: germline. Affected: yes. Not counted in ClinVar's aggregate classification.

BRCAlab, Lund University
Classification: Benign for Breast-ovarian cancer, familial, susceptibility to, 1. Last evaluated: 2020-03-02. Review status: no assertion criteria provided. Collection method: clinical testing. Allele origin: germline. Affected: yes. Not counted in ClinVar's aggregate classification.

True Health Diagnostics
Classification: Likely benign for Hereditary cancer-predisposing syndrome. Last evaluated: 2017-10-25. Review status: no assertion criteria provided. Collection method: clinical testing. Allele origin: germline. Not counted in ClinVar's aggregate classification.

Mayo Clinic Laboratories, Mayo Clinic
Classification: Likely benign. Last evaluated: 2017-04-03. Review status: no assertion criteria provided. Collection method: clinical testing. Allele origin: unknown. Not counted in ClinVar's aggregate classification.

Knight Diagnostic Laboratories, Oregon Health and Sciences University
Classification: Uncertain significance for Breast-ovarian cancer, familial, susceptibility to, 1. Last evaluated: 2015-06-04. Review status: no assertion criteria provided. Criteria: ACMG Guidelines, 2015. Collection method: clinical testing. Allele origin: germline. Affected: no. Study: CSER-NextGen. Not counted in ClinVar's aggregate classification.

Counsyl
Classification: Likely benign for Breast-ovarian cancer, familial 1. Last evaluated: 2014-06-08. Review status: no assertion criteria provided. Collection method: literature only. Allele origin: unknown. Inheritance: Autosomal dominant inheritance. Not counted in ClinVar's aggregate classification.

CSER _CC_NCGL, University of Washington
Classification: Uncertain significance for Breast and/or ovarian cancer. Last evaluated: 2014-06-01. Review status: no assertion criteria provided. Collection method: research. Allele origin: germline. Inheritance: Autosomal dominant inheritance. Study: ESP 6500 variant annotation. Not counted in ClinVar's aggregate classification.
Comment: Variants classified for the Actionable exomic incidental findings in 6503 participants: challenges of variant classification manuscript

Biesecker Lab/Clinical Genomics Section, National Institutes of Health
Classification: Uncertain significance. Last evaluated: 2012-07-13. Review status: no assertion criteria provided. Collection method: research. Allele origin: germline. Affected: no. Observed: 2 variant alleles. Study: ClinSeq. Not counted in ClinVar's aggregate classification.
ClinVar note: Converted during submission from variant of unknown significance to Uncertain significance.

Breast Cancer Information Core (BIC) (BRCA1)
Classification: Uncertain significance for Breast-ovarian cancer, familial 1. Last evaluated: 2002-05-29. Review status: no assertion criteria provided. Collection method: clinical testing. Allele origin: germline. Affected: yes. Observed: 80 variant alleles. Not counted in ClinVar's aggregate classification.

Foulkes Cancer Genetics LDI, Lady Davis Institute for Medical Research
Classification: Uncertain significance for Breast and/or ovarian cancer. Last evaluated: 2002-03-15. Review status: no assertion criteria provided. Collection method: clinical testing. Allele origin: germline. Study: The Canadian Open Genetics Repository (COGR). Not counted in ClinVar's aggregate classification.

Clinical Genetics DNA and cytogenetics Diagnostics Lab, Erasmus MC, Erasmus Medical Center
Classification: Benign. Review status: no assertion criteria provided. Collection method: clinical testing. Allele origin: germline. Affected: yes. Study: VKGL Data-share Consensus. Not counted in ClinVar's aggregate classification.

Clinical Genetics Laboratory, Department of Pathology, Netherlands Cancer Institute
Classification: Benign. Review status: no assertion criteria provided. Collection method: clinical testing. Allele origin: germline. Affected: yes. Study: VKGL Data-share Consensus. Not counted in ClinVar's aggregate classification.

Department of Pathology and Laboratory Medicine, Sinai Health System
Classification: Benign for Malignant tumor of breast. Review status: no assertion criteria provided. Collection method: clinical testing. Allele origin: unknown. Affected: yes. Study: The Canadian Open Genetics Repository (COGR). Not counted in ClinVar's aggregate classification.
Comment: The BRCA1, p.Leu246Val variant was identified in 7 of 7716 proband chromosomes (frequency: 0.001) from individuals or families with breast and ovarian cancer (Akbari 2011, Capanu 2011, Diez 2003). The variant was also identified in dbSNP (ID: rs28897675) â€šÃ„ÃºWith Uncertain significance alleleâ€šÃ„Ã¹, with a minor allele frequency of 0.0002 (1000 Genomes Project), NHLBI Exome Sequencing Project (Exome Variant Server), Exome Aggregation Consortium (ExAC) database, LOVD, the ClinVar database (classified as a benign variant by the Invitae, GeneDx and Ambry genetics; classified as Likely benign by Counsyl; classified as Uncertain significance by BIC, by Biesecker Laboratory and by CSER_CC_NCGL), GeneInsight COGR database (1X, classified as â€šÃ„ÃºBenignâ€šÃ„Ã¹ by a clinical laboratory), the BIC database (80X with unknown clinical importance), and UMD (17X as a neutral variant). In UMD the variant was identified with a co-occurring pathogenic BRCA1 and BRCA2 variants (BRCA1 c.3901_3902delAG (p.Ser1301X); BRCA2 c.5984dup (p.Asn1995delinsLys)), increasing the likelihood that the p.Leu246Val variant does not have clinical significance. This variant was identified in the 1000 Genomes Project in 1 of 5000 chromosomes (frequency: 0.0002), Exome Variant Server project in 3 of 8600 European American alleles, the Exome Aggregation Consortium (ExAC) database (released Jan 13, 2015) in 26 of 76950 chromosomes (frequency: 0.0003) from a population of European (Non-Finnish) and Latino individuals, increasing the likelihood this could be a low frequency benign variant. The p.Leu246 residue is not conserved in mammals and four out of five computational analyses (PolyPhen-2, SIFT, AlignGVGD, BLOSUM, MutationTaster) do not suggest a high likelihood of impact to the protein. However, this information is not predictive enough to rule out pathogenicity. In addition, the Val residue is also present in opossum, which would increase the likelihood this variant may not have functional significance. The variant occurs outside of the splicing consensus sequence and 1 of 5 in silico or computational prediction software programs (SpliceSiteFinder, MaxEntScan, NNSPLICE, GeneSplicer, HumanSpliceFinder) predict a greater than 10% difference in splicing; this is not very predictive of pathogenicity. RNA based analysis by Sharp (2004) suggest that the mutation is associated with either constitutive skipping of exon 11, or monoallelic BRCA1 expression. However, two functional studies characterized the variant as neutral (Abkevich 2004, Gâˆšâ‰¥mez Garcâˆšâ‰ a 2009). In addition, this variant have been observed with two or more known deleterious mutations, increasing the likelihood this variant does not have clinical significance (Tavtigian 2006, Judkins 2005). In summary, based on the above information, this variant meets our laboratory's criteria to be classified as benign.

Diagnostic Laboratory, Department of Genetics, University Medical Center Groningen
Classification: Benign for Breast-ovarian cancer, familial, susceptibility to, 1. Review status: no assertion criteria provided. Collection method: clinical testing. Allele origin: germline. Affected: yes. Study: VKGL Data-share Consensus. Not counted in ClinVar's aggregate classification.

Genome Diagnostics Laboratory, University Medical Center Utrecht
Classification: Benign. Review status: no assertion criteria provided. Collection method: clinical testing. Allele origin: germline. Affected: yes. Study: VKGL Data-share Consensus. Not counted in ClinVar's aggregate classification.

Joint Genome Diagnostic Labs from Nijmegen and Maastricht, Radboudumc and MUMC+
Classification: Benign. Review status: no assertion criteria provided. Collection method: clinical testing. Allele origin: germline. Affected: yes. Study: VKGL Data-share Consensus. Not counted in ClinVar's aggregate classification.

Laboratory of Diagnostic Genome Analysis, Leiden University Medical Center (LUMC)
Classification: Benign. Review status: no assertion criteria provided. Collection method: clinical testing. Allele origin: germline. Affected: yes. Study: VKGL Data-share Consensus. Not counted in ClinVar's aggregate classification.

CHEO Genetics Diagnostic Laboratory, Children's Hospital of Eastern Ontario
Classification: Likely benign for Breast and/or ovarian cancer. Last evaluated: 2021-06-07. Review status: flagged submission. Criteria: ACMG Guidelines, 2015. Collection method: clinical testing. Allele origin: germline. Not counted in ClinVar's aggregate classification.
ClinVar note: Reason: This record appears to be redundant with a more recent record from the same submitter.
ClinVar note: Notes: SCV001333444 appears to be redundant with SCV000324818.

Literature cited by the submitters: PubMed 21990134 (cited by Evidence-based Network for the Interpretation of Germline Mutant Alleles (ENIGMA) and Counsyl); PubMed 20694749 (cited by Illumina Laboratory Services, Illumina); PubMed 19200354 (cited by Illumina Laboratory Services, Illumina and Counsyl); PubMed 16014699 (cited by Illumina Laboratory Services, Illumina and Counsyl); PubMed 15235020 (cited by Illumina Laboratory Services, Illumina and Counsyl); PubMed 16267036 (cited by Illumina Laboratory Services, Illumina and Counsyl); PubMed 15300854 (cited by Illumina Laboratory Services, Illumina and Counsyl); PubMed 19818148 (cited by Illumina Laboratory Services, Illumina); PubMed 15307796 (cited by Illumina Laboratory Services, Illumina and Counsyl); PubMed 21965345 (cited by Counsyl); PubMed 17279547 (cited by Counsyl); PubMed 18415037 (cited by Counsyl); PubMed 12955716 (cited by Counsyl); PubMed 24055113 (cited by Counsyl); PubMed 23867111 (cited by Counsyl); PubMed 21520273 (cited by Counsyl).